The following is an entry in ClinVar:

ClinVar aggregate classification (germline): Uncertain significance (1 of 4 stars; one submission).

Submission:

GeneDx
Classification: Uncertain significance. Last evaluated: 2024-12-20. Review status: criteria provided, single submitter. Criteria: GeneDx Variant Classification Process June 2021. Collection method: clinical testing. Allele origin: germline. Affected: yes.
Comment: Not observed at significant frequency in large population cohorts (gnomAD); In-frame deletion of 1 amino acid in a non-repeat region; In silico analysis supports a deleterious effect on protein structure/function; Has not been previously published as pathogenic or benign to our knowledge

NM_001931.5(DLAT):c.1621GTT[1] (p.Val542del)

Genes: DLAT (dihydrolipoamide S-acetyltransferase; plus strand), PIH1D2 (PIH1 domain containing 2; minus strand). Cytogenetic location: 11q23.1.
Variant type: Microsatellite.
Coding change: c.1621GTT[1] on transcript NM_001931.5 (MANE Select); one copy of the 3-base unit GTT starting at c.1621; the reference has two copies in a row; one copy, 3 bases deleted.
Protein change: p.Val542del; deletes valine 542.
Molecular consequence: non-coding transcript variant (on NR_164072.1).
Genome position (GRCh38, 1-based): chr11:112,060,012-112,060,014, GTT deleted; deleting any 3 consecutive bases within chr11:112,060,008-112,060,014 gives the same sequence; the position shown is the placement nearest the transcript's 3' end. VCF-style (leftmost placement, unchanged base first): chr11-112060007-ATGT-A. GRCh37 (hg19) VCF-style: chr11-111930731-ATGT-A.
Other names: c.1639GTT[1], p.Val548del (NM_001372031.1); c.1615GTT[1], p.Val540del (NM_001372032.1); c.1600GTT[1], p.Val535del (NM_001372033.1); c.1588GTT[1], p.Val531del (NM_001372034.1); c.1513GTT[1], p.Val506del (NM_001372035.1); c.1495GTT[1], p.Val500del (NM_001372036.1); c.1453GTT[1], p.Val486del (NM_001372037.1); c.1342GTT[1], p.Val449del (NM_001372038.1); and 4 more; short protein forms V388del, V401del, V415del, V437del, V449del, V486del, V500del, V506del.
Identifiers: ClinVar variation 3906305 (VCV003906305.1).